The following is an entry in ClinVar:

NM_000349.3(STAR):c.769A>C (p.Asn257His)

Gene: STAR (steroidogenic acute regulatory protein; minus strand). Cytogenetic location: 8p11.23.
Variant type: single nucleotide variant.
Coding change: c.769A>C on transcript NM_000349.3 (MANE Select); coding-DNA position 769, A replaced by C.
Protein change: p.Asn257His; replaces asparagine 257 with histidine.
Molecular consequence: missense variant.
Genome position (GRCh38, 1-based): chr8:38,144,362, T>G on the plus strand (A>C on the coding strand, the complement: STAR is on the minus strand). VCF-style: chr8-38144362-T-G. GRCh37 (hg19) VCF-style: chr8-38001880-T-G.
Other names: short protein forms N257H.
Identifiers: ClinVar variation 3962956 (VCV003962956.2).

ClinVar aggregate classification (germline): Uncertain significance. Review status: criteria provided, multiple submitters, no conflicts (2 of 4 stars). 2 submissions from 2 submitters: Uncertain significance (2). Last evaluated 2026-01-24.

Conditions:
Inborn genetic diseases. Identifiers: MedGen C0950123, MeSH D030342.
STAR-related disorder. Also called: STAR-related condition.

Submissions (2):

PreventionGenetics, part of Exact Sciences
Classification: Uncertain significance for STAR-related condition. Last evaluated: 2026-01-24. Review status: criteria provided, single submitter. Criteria: ACMG Guidelines, 2015. Collection method: clinical testing. Allele origin: germline.
Comment: The STAR c.769A>C variant is predicted to result in the amino acid substitution p.Asn257His. To our knowledge, this variant has not been reported in the literature or in a large population database (gnomAD), indicating this variant is rare. At this time, the clinical significance of this variant is uncertain due to the absence of conclusive functional and genetic evidence.

Ambry Genetics
Classification: Uncertain significance for Inborn genetic diseases. Last evaluated: 2025-04-24. Review status: criteria provided, single submitter. Criteria: Ambry Variant Classification Scheme 2023. Collection method: clinical testing. Allele origin: germline.